The following is an entry in ClinVar:

ClinVar aggregate classification (germline): Uncertain significance. Review status: criteria provided, multiple submitters, no conflicts (2 of 4 stars). 4 submissions from 4 submitters: Uncertain significance (4). Last evaluated 2024-02-22.

Conditions:
Inborn genetic diseases. Identifiers: MedGen C0950123, MeSH D030342.
Megaconial type congenital muscular dystrophy (MDCMC). Also called: MUSCULAR DYSTROPHY, CONGENITAL, WITH MITOCHONDRIAL STRUCTURAL ABNORMALITIES; CHKB-Related Muscle Diseases; CHKB-Related Muscular Dystrophy. Identifiers: Orphanet 280671, MedGen C1865233, MONDO:0011246, OMIM 602541.

Allele frequency attached by ClinVar (database versions not stated): gnomAD exomes 0.00009 and 0.00012; TOPMed 0.00017; ExAC 0.00019; ESP Exome Variant Server 0.00023; gnomAD 0.00027 and 0.00030.
gnomAD v4.1: 162 of 1,591,840 alleles (0.01%); highest among the groups gnomAD compares: Admixed American, 0.063%; no homozygotes.

Submissions (4):

Ambry Genetics
Classification: Uncertain significance for Inborn genetic diseases. Last evaluated: 2024-02-22. Review status: criteria provided, single submitter. Criteria: Ambry Variant Classification Scheme 2023. Collection method: clinical testing. Allele origin: germline.

Labcorp Genetics (formerly Invitae), Labcorp
Classification: Uncertain significance for Megaconial type congenital muscular dystrophy. Last evaluated: 2022-10-13. Review status: criteria provided, single submitter. Criteria: Invitae Variant Classification Sherloc (09022015). Collection method: clinical testing. Allele origin: germline.
Comment: This sequence change replaces proline, which is neutral and non-polar, with leucine, which is neutral and non-polar, at codon 92 of the CHKB protein (p.Pro92Leu). This variant is present in population databases (rs140867913, gnomAD 0.03%). This variant has not been reported in the literature in individuals affected with CHKB-related conditions. ClinVar contains an entry for this variant (Variation ID: 342175). Algorithms developed to predict the effect of missense changes on protein structure and function (SIFT, PolyPhen-2, Align-GVGD) all suggest that this variant is likely to be tolerated. In summary, the available evidence is currently insufficient to determine the role of this variant in disease. Therefore, it has been classified as a Variant of Uncertain Significance.

Illumina Laboratory Services, Illumina
Classification: Uncertain significance for Megaconial type congenital muscular dystrophy. Last evaluated: 2018-01-13. Review status: criteria provided, single submitter. Criteria: ICSL Variant Classification Criteria 13 December 2019. Collection method: clinical testing. Allele origin: germline.

Eurofins Ntd Llc (ga)
Classification: Uncertain significance. Last evaluated: 2016-10-28. Review status: criteria provided, single submitter. Criteria: EGL Classification Definitions 2015. Collection method: clinical testing. Allele origin: germline. Observed: 1 variant allele, 1 heterozygote.

NM_005198.5(CHKB):c.275C>T (p.Pro92Leu)

Genes: CHKB (choline kinase beta; minus strand), CHKB-CPT1B (CHKB-CPT1B readthrough (NMD candidate); minus strand). Cytogenetic location: 22q13.33.
Variant type: single nucleotide variant.
Coding change: c.275C>T on transcript NM_005198.5 (MANE Select); coding-DNA position 275, C replaced by T.
Protein change: p.Pro92Leu; replaces proline 92 with leucine.
Molecular consequence: missense variant. On other transcripts: non-coding transcript variant (1).
Genome position (GRCh38, 1-based): chr22:50,582,307, G>A on the plus strand (C>T on the coding strand, the complement: CHKB is on the minus strand). VCF-style: chr22-50582307-G-A. GRCh37 (hg19) VCF-style: chr22-51020736-G-A.
Other names: short protein forms P92L.
Identifiers: ClinVar variation 342175 (VCV000342175.14), dbSNP rs140867913, ClinGen allele CA10323836.